The following is an entry in ClinVar:

NM_003000.3(SDHB):c.154G>T (p.Ala52Ser)

Gene: SDHB (succinate dehydrogenase complex iron sulfur subunit B; minus strand). Cytogenetic location: 1p36.13.
Variant type: single nucleotide variant.
Coding change: c.154G>T on transcript NM_003000.3 (MANE Select); coding-DNA position 154, G replaced by T.
Protein change: p.Ala52Ser; replaces alanine 52 with serine.
Molecular consequence: missense variant.
Genome position (GRCh38, 1-based): chr1:17,044,807, C>A on the plus strand (G>T on the coding strand, the complement: SDHB is on the minus strand). VCF-style: chr1-17044807-C-A. GRCh37 (hg19) VCF-style: chr1-17371302-C-A.
Other names: c.154G>T, p.Ala52Ser (NM_001407361.1); short protein forms A52S.
Identifiers: ClinVar variation 2952299 (VCV002952299.4), dbSNP rs1183722041, ClinGen allele CA338227954.
Genomic context (GRCh38, chr1:17,044,807, plus strand): 5'-ACAGAGATACTCACTTATTAAGGTCAACTTCATAAGTCTGCATATGAGGTTTGTCTCCAG[C>A]CTTGTCTGGGTCCCATCGATAGATGGCAAATTTCTTGATACGGGGAGCTGTGGCTGCAGC-3'
Protein context (NP_002991.2, residues 42-62): FAIYRWDPDK[Ala52Ser]GDKPHMQTYE

ClinVar aggregate classification (germline): Uncertain significance. Review status: criteria provided, multiple submitters, no conflicts (2 of 4 stars). 2 submissions from 2 submitters: Uncertain significance (2). Last evaluated 2026-06-20.

Conditions:
Hereditary cancer-predisposing syndrome. Also called: Hereditary Cancer Syndrome; Hereditary neoplastic syndrome; Neoplastic Syndromes, Hereditary; Tumor predisposition. Identifiers: Orphanet 140162, MedGen C0027672, MeSH D009386, MONDO:0015356.
Pheochromocytoma/paraganglioma syndrome 4. Also called: SDHB-Related Hereditary Paraganglioma-Pheochromocytoma Syndrome (Paragangliomas 4); CAROTID BODY TUMORS AND MULTIPLE EXTRAADRENAL PHEOCHROMOCYTOMAS; PARAGANGLIOMA, FAMILIAL MALIGNANT; PARAGANGLIOMAS, HEREDITARY EXTRAADRENAL; PHEOCHROMOCYTOMA, FAMILIAL EXTRAADRENAL; Paragangliomas 4. Identifiers: Orphanet 29072, MedGen C1861848, MONDO:0007273, OMIM 115310.
Pheochromocytoma. Also called: MAX-Related Hereditary Paraganglioma-Pheochromocytoma Syndrome. Identifiers: Orphanet 29072, MedGen C0031511, MONDO:0008233, OMIM 171300, HP:0002666.
Gastrointestinal stromal tumor. Also called: Gastrointestinal stromal tumor, somatic; Gastrointestinal stroma tumor. Identifiers: Orphanet 44890, MedGen C0238198, MeSH D046152, MONDO:0011719, OMIM 606764, HP:0100723.

Submissions (2):

Ambry Genetics
Classification: Uncertain significance for Hereditary cancer-predisposing syndrome. Last evaluated: 2026-06-20. Review status: criteria provided, single submitter. Criteria: Ambry Variant Classification Scheme 2023. Collection method: clinical testing. Allele origin: germline.
Comment: The p.A52S variant (also known as c.154G>T), located in coding exon 2 of the SDHB gene, results from a G to T substitution at nucleotide position 154. The alanine at codon 52 is replaced by serine, an amino acid with similar properties. This amino acid position is conserved. In addition, this alteration is predicted to be tolerated by in silico analysis. Based on the available evidence, the clinical significance of this variant remains unclear.

Labcorp Genetics (formerly Invitae), Labcorp
Classification: Uncertain significance for Gastrointestinal stromal tumor; Pheochromocytoma/paraganglioma syndrome 4; Pheochromocytoma. Last evaluated: 2023-09-26. Review status: criteria provided, single submitter. Criteria: Invitae Variant Classification Sherloc (09022015). Collection method: clinical testing. Allele origin: germline.
Comment: In summary, the available evidence is currently insufficient to determine the role of this variant in disease. Therefore, it has been classified as a Variant of Uncertain Significance. Advanced modeling of protein sequence and biophysical properties (such as structural, functional, and spatial information, amino acid conservation, physicochemical variation, residue mobility, and thermodynamic stability) performed at Invitae indicates that this missense variant is not expected to disrupt SDHB protein function. This variant has not been reported in the literature in individuals affected with SDHB-related conditions. This variant is not present in population databases (gnomAD no frequency). This sequence change replaces alanine, which is neutral and non-polar, with serine, which is neutral and polar, at codon 52 of the SDHB protein (p.Ala52Ser).